The following is an entry in ClinVar:

NM_001904.4(CTNNB1):c.610A>G (p.Asn204Asp)

Genes: CTNNB1 (catenin beta 1; plus strand), LOC126806658 (BRD4-independent group 4 enhancer GRCh37_chr3:41265899-41267098; plus strand). Cytogenetic location: 3p22.1.
Variant type: single nucleotide variant.
Coding change: c.610A>G on transcript NM_001904.4 (MANE Select); coding-DNA position 610, A replaced by G.
Protein change: p.Asn204Asp; replaces asparagine 204 with aspartic acid.
Molecular consequence: missense variant.
Genome position (GRCh38, 1-based): chr3:41,225,448, A>G. VCF-style: chr3-41225448-A-G. GRCh37 (hg19) VCF-style: chr3-41266939-A-G.
Other names: c.610A>G, p.Asn204Asp (NM_001098209.2, NM_001098210.2); c.589A>G, p.Asn197Asp (NM_001330729.2); short protein forms N204D, N197D.
Identifiers: ClinVar variation 3666259 (VCV003666259.2).

ClinVar aggregate classification (germline): Uncertain significance (1 of 4 stars; one submission).

Submission:

Labcorp Genetics (formerly Invitae), Labcorp
Classification: Uncertain significance. Last evaluated: 2024-11-26. Review status: criteria provided, single submitter. Criteria: Invitae Variant Classification Sherloc (09022015). Collection method: clinical testing. Allele origin: germline.
Comment: This sequence change replaces asparagine, which is neutral and polar, with aspartic acid, which is acidic and polar, at codon 204 of the CTNNB1 protein (p.Asn204Asp). This variant is not present in population databases (gnomAD no frequency). This variant has not been reported in the literature in individuals affected with CTNNB1-related conditions. Invitae Evidence Modeling of protein sequence and biophysical properties (such as structural, functional, and spatial information, amino acid conservation, physicochemical variation, residue mobility, and thermodynamic stability) indicates that this missense variant is expected to disrupt CTNNB1 protein function with a positive predictive value of 80%. In summary, the available evidence is currently insufficient to determine the role of this variant in disease. Therefore, it has been classified as a Variant of Uncertain Significance.